The following is an entry in ClinVar:

ClinVar aggregate classification (germline): Uncertain significance (1 of 4 stars; one submission).

Conditions:
TJP2-related disorder. Also called: TJP2-related condition.

Allele frequency attached by ClinVar (database versions not stated): ExAC 0.00002; gnomAD exomes 0.00002; 1000 Genomes Project 0.00020.

Submission:

PreventionGenetics, part of Exact Sciences
Classification: Uncertain significance for TJP2-related condition. Last evaluated: 2026-04-15. Review status: criteria provided, single submitter. Criteria: ACMG Guidelines, 2015. Collection method: clinical testing. Allele origin: germline.
Comment: The TJP2 c.296C>T variant is predicted to result in the amino acid substitution p.Ser99Leu. To our knowledge, this variant has not been reported in the literature. This variant is reported in 0.0054% of alleles in individuals of East Asian descent in gnomAD. At this time, the clinical significance of this variant is uncertain due to the absence of conclusive functional and genetic evidence.

NM_004817.4(TJP2):c.296C>T (p.Ser99Leu)

Gene: TJP2 (tight junction protein 2; plus strand). Cytogenetic location: 9q21.11.
Variant type: single nucleotide variant.
Coding change: c.296C>T on transcript NM_004817.4 (MANE Select); coding-DNA position 296, C replaced by T.
Protein change: p.Ser99Leu; replaces serine 99 with leucine.
Molecular consequence: missense variant.
Genome position (GRCh38, 1-based): chr9:69,218,313, C>T. VCF-style: chr9-69218313-C-T. GRCh37 (hg19) VCF-style: chr9-71833229-C-T.
Other names: c.296C>T, p.Ser99Leu (LRG_1201t1, NM_001369872.1, NM_001369873.1 and 1 more transcripts); c.227C>T, p.Ser76Leu (NM_001170414.2, NM_001369870.1, NM_001369871.1); c.308C>T, p.Ser103Leu (NM_001170415.1, NM_001369874.1, NM_001369875.1); c.389C>T, p.Ser130Leu (NM_001170416.2); short protein forms S99L, S103L, S130L, S76L.
Identifiers: ClinVar variation 4989360 (VCV004989360.1), dbSNP rs570616070.